The following is an entry in ClinVar:

ClinVar aggregate classification (germline): Uncertain significance (1 of 4 stars; one submission).

Submission:

GeneDx
Classification: Uncertain significance. Last evaluated: 2025-07-29. Review status: criteria provided, single submitter. Criteria: GeneDx Variant Classification Process June 2021. Collection method: clinical testing. Allele origin: germline. Affected: yes.
Comment: In silico analysis suggests that this variant does not alter protein structure/function; Has not been previously published as pathogenic or benign to our knowledge

NM_001292063.2(OTOG):c.4087_4088delinsCT (p.Ala1363Leu)

Gene: OTOG (otogelin; plus strand). Cytogenetic location: 11p15.1.
Variant type: Indel.
Coding change: c.4087_4088delinsCT on transcript NM_001292063.2 (MANE Select); coding-DNA positions 4087 to 4088, GC replaced by CT.
Protein change: p.Ala1363Leu; replaces alanine 1363 with leucine.
Molecular consequence: missense variant.
Genome position (GRCh38, 1-based): chr11:17,606,066-17,606,067, GC replaced by CT. VCF-style: chr11-17606066-GC-CT. GRCh37 (hg19) VCF-style: chr11-17627613-GC-CT.
Other names: c.4123_4124delinsCT, p.Ala1375Leu (NM_001277269.2); short protein forms A1363L, A1375L.
Identifiers: ClinVar variation 4689911 (VCV004689911.1).